The following is an entry in ClinVar:

ClinVar aggregate classification (germline): Conflicting classifications of pathogenicity. Review status: criteria provided, conflicting classifications (1 of 4 stars). 4 submissions from 4 submitters: Pathogenic (1); Uncertain significance (3). Last evaluated 2026-05-27.

Conditions:
Colorectal cancer, hereditary nonpolyposis, type 7. Identifiers: Orphanet 144, MedGen C1858380, MONDO:0013725, OMIM 614385.

Submissions (4):

Ambry Genetics
Classification: Pathogenic. Last evaluated: 2026-05-27. Review status: criteria provided, single submitter. Criteria: Ambry Variant Classification Scheme 2023. Collection method: clinical testing. Allele origin: germline.
Comment: The c.2793_2794delGA pathogenic mutation, located in coding exon 1 of the MLH3 gene, results from a deletion of two nucleotides at nucleotide positions 2793 to 2794, causing a translational frameshift with a predicted alternate stop codon (p.N932Wfs*13). This variant is considered to be rare based on population cohorts in the Genome Aggregation Database (gnomAD). This alteration is expected to result in loss of function by premature protein truncation or nonsense-mediated mRNA decay. As such, this alteration is interpreted as a disease-causing mutation.

Labcorp Genetics (formerly Invitae), Labcorp
Classification: Uncertain significance for Colorectal cancer, hereditary nonpolyposis, type 7. Last evaluated: 2024-04-02. Review status: criteria provided, single submitter. Criteria: Invitae Variant Classification Sherloc (09022015). Collection method: clinical testing. Allele origin: germline.
Comment: This sequence change creates a premature translational stop signal (p.Asn932Trpfs*13) in the MLH3 gene. It is expected to result in an absent or disrupted protein product. However, the current clinical and genetic evidence is not sufficient to establish whether loss-of-function variants in MLH3 cause disease. This variant is present in population databases (rs754716792, gnomAD 0.002%). This variant has not been reported in the literature in individuals affected with MLH3-related conditions. ClinVar contains an entry for this variant (Variation ID: 419010). In summary, the available evidence is currently insufficient to determine the role of this variant in disease. Therefore, it has been classified as a Variant of Uncertain Significance.

Equipe Genetique des Anomalies du Developpement, Université de Bourgogne
Classification: Uncertain significance for Colorectal cancer, hereditary nonpolyposis, type 7. Last evaluated: 2018-11-21. Review status: criteria provided, single submitter. Criteria: ACMG Guidelines, 2015. Collection method: clinical testing. Allele origin: unknown.

GeneDx
Classification: Uncertain significance. Last evaluated: 2018-10-02. Review status: criteria provided, single submitter. Criteria: GeneDx Variant Classification (06012015). Collection method: clinical testing. Allele origin: germline. Affected: yes.
Comment: The c.2793_2794delGA variant in the MLH3 gene has not been reported previously as a pathogenic variant nor as a benign variant, to our knowledge. The c.2793_2794delGA variant causes a frameshift starting with codon Asparagine 932, changes this amino acid to a Tryptophan residue and creates a premature Stop codon at position 13 of the new reading frame, denoted p.Asn932TrpfsX13. This variant is predicted to cause loss of normal protein function either through protein truncation or nonsense-mediated mRNA decay. The c.2793_2794delGA variant is observed in 2/111,646 (0.002%) alleles from individuals of non-Finnish European background in large population cohorts (Lek et al., 2016). We interpret c.2793_2794delGA as a variant of uncertain significance.

NM_001040108.2(MLH3):c.2793_2794del (p.Asn932fs)

Gene: MLH3 (mutL homolog 3; minus strand). Cytogenetic location: 14q24.3.
Variant type: Microsatellite.
Coding change: c.2793_2794del on transcript NM_001040108.2 (MANE Select); coding-DNA positions 2793 to 2794, 2 bases deleted (GA; older notation c.2793_2794delGA).
Protein change: p.Asn932fs; shifts the reading frame from asparagine 932.
Molecular consequence: frameshift variant.
Genome position (GRCh38, 1-based): chr14:75,046,862-75,046,863, TC deleted on the plus strand (GA on the coding strand, the reverse complement: MLH3 is on the minus strand); deleting any 2 consecutive bases within chr14:75,046,862-75,046,866 gives the same sequence; the c. name uses the placement nearest the transcript's 3' end. VCF-style (leftmost placement, unchanged base first): chr14-75046861-TTC-T. GRCh37 (hg19) VCF-style: chr14-75513564-TTC-T.
Other names: c.2793_2794delGA (NM_001040108.1); c.2793_2794del, p.Asn932fs (NM_014381.3); short protein forms N932fs.
Identifiers: ClinVar variation 419010 (VCV000419010.11), dbSNP rs754716792, ClinGen allele CA7275638.